The following continues an entry in ClinVar:

NM_000179.3(MSH6):c.3283C>T (p.Arg1095Cys)

Gene: MSH6. ClinVar aggregate classification (germline): Conflicting classifications of pathogenicity. Uncertain significance (14); Benign (1); Likely benign (4).

Submissions 13 to 23 of 23:

CeGaT Center for Human Genetics Tuebingen
Classification: Uncertain significance. Last evaluated: 2022-05-01. Review status: criteria provided, single submitter. Criteria: CeGaT Center For Human Genetics Tuebingen Variant Classification Criteria Version 2. Collection method: clinical testing. Allele origin: germline. Affected: yes. Observed: 2 variant alleles.
Comment: MSH6: PP2, BS3:Supporting

Sema4
Classification: Uncertain significance for Hereditary cancer-predisposing syndrome. Last evaluated: 2022-01-10. Review status: criteria provided, single submitter. Criteria: Sema4 Curation Guidelines. Collection method: curation. Allele origin: germline.
Comment: The MSH6 c.3283C>T (p.R1095C) variant has been reported in heterozygosity in multiple individuals with breast cancer, ovarian cancer, endometrial cancer, and Lynch syndrome related cancer (PMID: 30159786, 30093976, 31386297, 26845104, 31391288, 29044863), but has also been identified in healthy individuals (PMID: 24448499, 24728327). It has been reported in a large case-control study of breast cancer in 12/60466 cases and 15/53461 controls (PMID: 33471991). A study in modified mouse embryonic stem cells demonstrated normal function of mismatch repair activity (PMID: 28531214). It was observed in 18/129178 chromosomes of the European (non-Finnish) subpopulation in the large and broad cohorts of the Genome Aggregation Database (PMID: 32461654). This variant has been reported in ClinVar (Variation ID: 127585). In silico tools suggest the impact of the variant on protein function is deleterious, though these predictions are not supported by a published functional study. The overall evidence is inconsistent with ACMG/AMP requirements for a classification of benign or pathogenic. In summary, the clinical significance of this variant is currently uncertain.

Women's Health and Genetics/Laboratory Corporation of America, LabCorp
Classification: Likely benign. Last evaluated: 2021-06-21. Review status: criteria provided, single submitter. Criteria: LabCorp Variant Classification Summary - May 2015. Collection method: clinical testing. Allele origin: germline.
Comment: Variant summary: MSH6 c.3283C>T (p.Arg1095Cys) results in a non-conservative amino acid change located in the DNA mismatch repair protein MutS, core domain of the encoded protein sequence. Five of five in-silico tools predict a damaging effect of the variant on protein function. The variant allele was found at a frequency of 8.4e-05 in 251452 control chromosomes, predominantly at a frequency of 0.00014 within the Non-Finnish European subpopulation in the gnomAD database. This frequency is approximately the same as expected for a pathogenic variant in MSH6 causing Hereditary Nonpolyposis Colorectal Cancer (0.00014 vs 0.00014), supporting a benign outcome. c.3283C>T has been reported in the literature in settings of multigene cancer panel testing among individuals affected with Lynch Syndrome (example Shirts_2015, Kanchi_2014, Li_2020). One of these reports estimated the tumor characteristic likelihood ratio (TCLR) for this variant as likely benign (Li_2020). These report(s) do not provide unequivocal conclusions about association of the variant with Lynch Syndrome. At least one publication reports experimental evidence evaluating an impact on protein function. These results showed no damaging effect of this variant in an MMR (mismatch repair) assay (Houlleberghs_2017). Eight clinical diagnostic laboratories have submitted clinical-significance assessments for this variant to ClinVar after 2014 without evidence for independent evaluation. Multiple laboratories reported the variant with conflicting assessments (likely benign, n=2; VUS, n=6). Some submitters cite overlapping evidence utilized in the context of this evaluation and at-least one submitter has re-classified this variant as likely benign since its previous evaluation. Based on the evidence outlined above, the variant was re-classified as likely benign.

Department of Pathology and Laboratory Medicine, Sinai Health System
Classification: Uncertain significance for Endometrial carcinoma; Lynch syndrome 5; Mismatch repair cancer syndrome 3. Last evaluated: 2020-08-27. Review status: criteria provided, single submitter. Criteria: ACMG Guidelines, 2015. Collection method: clinical testing. Allele origin: germline. Affected: no.

Ambry Genetics
Classification: Likely benign for Hereditary cancer-predisposing syndrome. Last evaluated: 2020-02-18. Review status: criteria provided, single submitter. Criteria: Ambry Variant Classification Scheme 2023. Collection method: clinical testing. Allele origin: germline.

Center for Human Genetics, Inc
Classification: Uncertain significance for Lynch syndrome 5. Last evaluated: 2016-11-01. Review status: criteria provided, single submitter. Criteria: ACMG Guidelines, 2015. Collection method: clinical testing. Allele origin: germline. Affected: yes.

University of Washington Department of Laboratory Medicine, University of Washington
Classification: Uncertain significance for Hereditary nonpolyposis colon cancer. Last evaluated: 2015-11-20. Review status: criteria provided, single submitter. Criteria: Shirts et al. (Genet Med 2016). Collection method: clinical testing. Allele origin: germline. Affected: yes. Observed: 1 variant allele.

Counsyl
Classification: Uncertain significance for Lynch syndrome 5. Last evaluated: 2015-12-28. Review status: no assertion criteria provided. Collection method: clinical testing. Allele origin: unknown. Not counted in ClinVar's aggregate classification.

ITMI
No classification provided. Condition: AllHighlyPenetrant. Last evaluated: 2013-09-19. Review status: no classification provided. Collection method: reference population. Allele origin: germline. Not counted in ClinVar's aggregate classification.
Comment: Please see associated publication for description of ethnicities

Clinical Genetics, Academic Medical Center
Classification: Uncertain significance. Review status: no assertion criteria provided. Collection method: clinical testing. Allele origin: germline. Affected: yes. Study: VKGL Data-share Consensus. Not counted in ClinVar's aggregate classification.

Diagnostic Laboratory, Department of Genetics, University Medical Center Groningen
Classification: Uncertain significance. Review status: no assertion criteria provided. Collection method: clinical testing. Allele origin: germline. Affected: yes. Study: VKGL Data-share Consensus. Not counted in ClinVar's aggregate classification.

Literature cited by the submitters: PubMed 28531214 (cited by 6 submitters); PubMed 12522549 (cited by 3 submitters); PubMed 26845104 (cited by 5 submitters); PubMed 30093976 (cited by 4 submitters); PubMed 30159786 (cited by 5 submitters); PubMed 31391288 (cited by 6 submitters); PubMed 32980694 (cited by Color Diagnostics, LLC DBA Color Health and All of Us Research Program, National Institutes of Health); PubMed 33471991 (cited by 3 submitters); PubMed 27363726 (cited by Myriad Genetics, Inc.); PubMed 31386297 (cited by Sema4 and Ambry Genetics); PubMed 29044863 (cited by Sema4); PubMed 24448499 (cited by 3 submitters); PubMed 24728327 (cited by 5 submitters); PubMed 23621914 (cited by Women's Health and Genetics/Laboratory Corporation of America, LabCorp and Ambry Genetics).